The following is an entry in ClinVar:

NM_024685.4(BBS10):c.796C>G (p.Pro266Ala)

Gene: BBS10 (Bardet-Biedl syndrome 10; minus strand). Cytogenetic location: 12q21.2.
Variant type: single nucleotide variant.
Coding change: c.796C>G on transcript NM_024685.4 (MANE Select); coding-DNA position 796, C replaced by G.
Protein change: p.Pro266Ala; replaces proline 266 with alanine.
Molecular consequence: missense variant.
Genome position (GRCh38, 1-based): chr12:76,347,189, G>C on the plus strand (C>G on the coding strand, the complement: BBS10 is on the minus strand). VCF-style: chr12-76347189-G-C. GRCh37 (hg19) VCF-style: chr12-76740969-G-C.
Other names: short protein forms P266A.
Identifiers: ClinVar variation 2184683 (VCV002184683.3), dbSNP rs749484934, ClinGen allele CA6694283.
Genomic context (GRCh38, chr12:76,347,189, plus strand): 5'-ATGTCTGAAACTGTGCTTCTGAATTTAGAATAAACTCTGATCCAGAAGTGGAAAAAAGAG[G>C]CTGAATGGTTTCTGTTACTATCACCATTCGCATGTCACCATCTGCTGGGCGGTACACAGA-3'
Protein context (NP_078961.3, residues 256-276): RMVIVTETIQ[Pro266Ala]LFSTSGSEFI

ClinVar aggregate classification (germline): Uncertain significance (1 of 4 stars; one submission).

Conditions:
Bardet-Biedl syndrome (BBS). Identifiers: Orphanet 110, MedGen C0752166, MONDO:0015229.

Allele frequency attached by ClinVar (database versions not stated): ExAC 0.00001.
gnomAD v4.1: 7 of 1,610,910 alleles (0.00043%); highest among the groups gnomAD compares: Non-Finnish European, 0.00059%; no homozygotes.

Submission:

Labcorp Genetics (formerly Invitae), Labcorp
Classification: Uncertain significance for Bardet-Biedl syndrome. Last evaluated: 2023-08-24. Review status: criteria provided, single submitter. Criteria: Invitae Variant Classification Sherloc (09022015). Collection method: clinical testing. Allele origin: germline.
Comment: In summary, the available evidence is currently insufficient to determine the role of this variant in disease. Therefore, it has been classified as a Variant of Uncertain Significance. Advanced modeling of protein sequence and biophysical properties (such as structural, functional, and spatial information, amino acid conservation, physicochemical variation, residue mobility, and thermodynamic stability) has been performed at Invitae for this missense variant, however the output from this modeling did not meet the statistical confidence thresholds required to predict the impact of this variant on BBS10 protein function. ClinVar contains an entry for this variant (Variation ID: 2184683). This variant has not been reported in the literature in individuals affected with BBS10-related conditions. This variant is present in population databases (rs749484934, gnomAD 0.002%). This sequence change replaces proline, which is neutral and non-polar, with alanine, which is neutral and non-polar, at codon 266 of the BBS10 protein (p.Pro266Ala).